The following is an entry in ClinVar:

ClinVar aggregate classification (germline): Likely benign (1 of 4 stars; one submission).

Conditions:
Catecholaminergic polymorphic ventricular tachycardia (CVPT). Also called: Catecholamine-induced polymorphic ventricular tachycardia. Identifiers: Orphanet 3286, MedGen C5574922, MONDO:0017990.

gnomAD v4.1: 1 of 1,593,544 alleles (0.000063%); no homozygotes.

Submission:

All of Us Research Program, National Institutes of Health
Classification: Likely benign for Catecholaminergic polymorphic ventricular tachycardia. Last evaluated: 2023-05-30. Review status: criteria provided, single submitter. Criteria: ACMG Guidelines, 2015. Collection method: clinical testing. Allele origin: germline. Inheritance: Autosomal dominant inheritance. Observed: 1 variant allele, 1 heterozygote.
Comment: This study involves interpretation of variants in research participants for the purpose of population health screening. Participant phenotype was not available at the time of variant classification. Additional details can be found in publication PMID: 35346344, PMCID: PMC8962531

NM_001035.3(RYR2):c.6689-9A>G

Gene: RYR2 (ryanodine receptor 2; plus strand). Cytogenetic location: 1q43.
Variant type: single nucleotide variant.
Coding change: c.6689-9A>G on transcript NM_001035.3 (MANE Select); 9 bases into the intron before coding-DNA position 6689, A replaced by G.
Molecular consequence: intron variant.
Genome position (GRCh38, 1-based): chr1:237,634,880, A>G. VCF-style: chr1-237634880-A-G. GRCh37 (hg19) VCF-style: chr1-237798180-A-G.
Identifiers: ClinVar variation 3071406 (VCV003071406.1), dbSNP rs1680716293, ClinGen allele CA2651204522.